The following is an entry in ClinVar:

NM_172240.3(POC1B):c.127A>G (p.Met43Val)

Genes: POC1B (POC1 centriolar protein B; minus strand), POC1B-DUSP6 (POC1B-DUSP6 readthrough; minus strand). Cytogenetic location: 12q21.33.
Variant type: single nucleotide variant.
Coding change: c.127A>G on transcript NM_172240.3 (MANE Select); coding-DNA position 127, A replaced by G.
Protein change: p.Met43Val; replaces methionine 43 with valine.
Molecular consequence: missense variant. On other transcripts: initiator codon variant (1).
Genome position (GRCh38, 1-based): chr12:89,497,316, T>C on the plus strand (A>G on the coding strand, the complement: POC1B is on the minus strand). VCF-style: chr12-89497316-T-C. GRCh37 (hg19) VCF-style: chr12-89891093-T-C.
Other names: c.1A>G, p.Met1Val (NM_001199777.2); short protein forms M1V, M43V.
Identifiers: ClinVar variation 837708 (VCV000837708.9), dbSNP rs148159549, ClinGen allele CA6714601.

ClinVar aggregate classification (germline): Uncertain significance (1 of 4 stars; one submission).

Allele frequency attached by ClinVar (database versions not stated): gnomAD 0.00002; gnomAD exomes 0.00003; ExAC 0.00002; TOPMed 0.00006; ESP Exome Variant Server 0.00008.
gnomAD v4.1: 168 of 1,612,422 alleles (0.01%); highest among the groups gnomAD compares: Non-Finnish European, 0.014%; no homozygotes.

Submission:

Labcorp Genetics (formerly Invitae), Labcorp
Classification: Uncertain significance. Last evaluated: 2024-12-02. Review status: criteria provided, single submitter. Criteria: Invitae Variant Classification Sherloc (09022015). Collection method: clinical testing. Allele origin: germline.
Comment: This sequence change replaces methionine, which is neutral and non-polar, with valine, which is neutral and non-polar, at codon 43 of the POC1B protein (p.Met43Val). This variant is present in population databases (rs148159549, gnomAD 0.007%). This variant has not been reported in the literature in individuals affected with POC1B-related conditions. ClinVar contains an entry for this variant (Variation ID: 837708). Invitae Evidence Modeling of protein sequence and biophysical properties (such as structural, functional, and spatial information, amino acid conservation, physicochemical variation, residue mobility, and thermodynamic stability) has been performed for this missense variant. However, the output from this modeling did not meet the statistical confidence thresholds required to predict the impact of this variant on POC1B protein function. In summary, the available evidence is currently insufficient to determine the role of this variant in disease. Therefore, it has been classified as a Variant of Uncertain Significance.